The following is an entry in ClinVar:

ClinVar aggregate classification (germline): Likely benign (0 of 4 stars; one submission).

Conditions:
UBR4-related disorder. Also called: UBR4-related condition.

Submission:

PreventionGenetics, part of Exact Sciences
Classification: Likely benign for UBR4-related condition. Last evaluated: 2024-04-16. Review status: no assertion criteria provided. Collection method: clinical testing. Allele origin: germline.
Comment: This variant is classified as likely benign based on ACMG/AMP sequence variant interpretation guidelines (Richards et al. 2015 PMID: 25741868, with internal and published modifications).

NM_020765.3(UBR4):c.7932T>A (p.Pro2644=)

Gene: UBR4 (ubiquitin protein ligase E3 component n-recognin 4; minus strand). Cytogenetic location: 1p36.13.
Variant type: single nucleotide variant.
Coding change: c.7932T>A on transcript NM_020765.3 (MANE Select); coding-DNA position 7932, T replaced by A.
Protein change: p.Pro2644=; no amino-acid change (proline 2644 retained).
Molecular consequence: synonymous variant.
Genome position (GRCh38, 1-based): chr1:19,145,806, A>T on the plus strand (T>A on the coding strand, the complement: UBR4 is on the minus strand). VCF-style: chr1-19145806-A-T. GRCh37 (hg19) VCF-style: chr1-19472300-A-T.
Identifiers: ClinVar variation 3346258 (VCV003346258.1).
Genomic context (GRCh38, chr1:19,145,806, plus strand): 5'-TTACATCAGGCTTCATTACCAAGATTCAAATATCCCTTTTAACATACCTGGAAGGCAGGC[A>T]GGTGCCAAGAAGGCATTCTTGGGTTTGGATGCATGGAGTTTCCAGAAGTGGTTCACAAGC-3'
Protein context (NP_065816.2, residues 2634-2654): ASKPKNAFLA[Pro2644=]ACLPGLTHIE